The following is an entry in ClinVar:

ClinVar aggregate classification (germline): Likely benign (1 of 4 stars; one submission).

Conditions:
UNC13A-related disorder. Also called: UNC13A-related condition.

Submission:

PreventionGenetics, part of Exact Sciences
Classification: Likely benign for UNC13A-related condition. Last evaluated: 2026-04-30. Review status: criteria provided, single submitter. Criteria: ACMG Guidelines, 2015. Collection method: clinical testing. Allele origin: germline.
Comment: This variant is classified as likely benign based on ACMG/AMP sequence variant interpretation guidelines (Richards et al. 2015 PMID: 25741868, with internal and published modifications).

NM_001080421.3(UNC13A):c.271-7C>T

Gene: UNC13A (unc-13 homolog A; minus strand). Cytogenetic location: 19p13.11.
Variant type: single nucleotide variant.
Coding change: c.271-7C>T on transcript NM_001080421.3 (MANE Select); 7 bases into the intron before coding-DNA position 271, C replaced by T.
Molecular consequence: intron variant.
Genome position (GRCh38, 1-based): chr19:17,669,683, G>A on the plus strand (C>T on the coding strand, the complement: UNC13A is on the minus strand). VCF-style: chr19-17669683-G-A. GRCh37 (hg19) VCF-style: chr19-17780492-G-A.
Other names: c.271-7C>T (NM_001387022.1, NM_001387023.1, NM_001387021.1).
Identifiers: ClinVar variation 4986707 (VCV004986707.1).